The following is an entry in ClinVar:

ClinVar aggregate classification (germline): Uncertain significance (1 of 4 stars; one submission).

Conditions:
Tuberous sclerosis 2 (TSC2). Identifiers: Orphanet 805, MedGen C1860707, MONDO:0013199, OMIM 613254.

gnomAD v4.1: 1 of 1,614,164 alleles (0.000062%); highest among the groups gnomAD compares: Non-Finnish European, 0.000085%; no homozygotes.

Submission:

Labcorp Genetics (formerly Invitae), Labcorp
Classification: Uncertain significance for Tuberous sclerosis 2. Last evaluated: 2024-01-29. Review status: criteria provided, single submitter. Criteria: Invitae Variant Classification Sherloc (09022015). Collection method: clinical testing. Allele origin: germline.
Comment: This sequence change replaces glycine, which is neutral and non-polar, with arginine, which is basic and polar, at codon 402 of the TSC2 protein (p.Gly402Arg). This variant is not present in population databases (gnomAD no frequency). This variant has not been reported in the literature in individuals affected with TSC2-related conditions. Advanced modeling of protein sequence and biophysical properties (such as structural, functional, and spatial information, amino acid conservation, physicochemical variation, residue mobility, and thermodynamic stability) performed at Invitae indicates that this missense variant is not expected to disrupt TSC2 protein function with a negative predictive value of 95%. In summary, the available evidence is currently insufficient to determine the role of this variant in disease. Therefore, it has been classified as a Variant of Uncertain Significance.

NM_000548.5(TSC2):c.1204G>C (p.Gly402Arg)

Gene: TSC2 (TSC complex subunit 2; plus strand). Cytogenetic location: 16p13.3.
Variant type: single nucleotide variant.
Coding change: c.1204G>C on transcript NM_000548.5 (MANE Select); coding-DNA position 1204, G replaced by C.
Protein change: p.Gly402Arg; replaces glycine 402 with arginine.
Molecular consequence: missense variant. On other transcripts: 5 prime UTR variant (10), non-coding transcript variant (5).
Genome position (GRCh38, 1-based): chr16:2,061,955, G>C. VCF-style: chr16-2061955-G-C. GRCh37 (hg19) VCF-style: chr16-2111956-G-C.
Other names: c.1204G>C, p.Gly402Arg (NM_001077183.3, NM_001114382.3, NM_001363528.2 and 6 more transcripts); c.1237G>C, p.Gly413Arg (NM_001318832.2); c.1093G>C, p.Gly365Arg (NM_001318827.2, NM_001406670.1, NM_001406678.1); c.1057G>C, p.Gly353Arg (NM_001318829.2, NM_001406675.1, NM_001406676.1 and 1 more transcripts); c.604G>C, p.Gly202Arg (NM_001318831.2, NM_001406686.1, NM_001406687.1 and 6 more transcripts); c.1294G>C, p.Gly432Arg (NM_001406667.1, NM_001406668.1); c.1192G>C, p.Gly398Arg (NM_001406671.1, NM_001406673.1); c.-141G>C (NM_001406689.1, NM_001406690.1, NM_001406691.1 and 4 more transcripts); and 4 more; short protein forms G202R, G248R, G353R, G365R, G383R, G398R, G402R, G413R.
Identifiers: ClinVar variation 3605473 (VCV003605473.2).